The following is an entry in ClinVar:

ClinVar aggregate classification (germline): Likely benign (1 of 4 stars; one submission).

Allele frequency attached by ClinVar (database versions not stated): gnomAD 0.00005; TOPMed 0.00005; ExAC 0.00002; gnomAD exomes 0.00003; ESP Exome Variant Server 0.00008; 1000 Genomes Project 0.00020; 1000 Genomes Project 30x 0.00031.
gnomAD v4.1: 47 of 1,614,182 alleles (0.0029%); highest among the groups gnomAD compares: East Asian, 0.027%; no homozygotes.

Submission:

CeGaT Center for Human Genetics Tuebingen
Classification: Likely benign. Last evaluated: 2023-02-01. Review status: criteria provided, single submitter. Criteria: CeGaT Center For Human Genetics Tuebingen Variant Classification Criteria Version 2. Collection method: clinical testing. Allele origin: germline. Affected: yes. Observed: 1 variant allele.
Comment: KRT35: BP4, BP7

NM_002280.6(KRT35):c.366C>T (p.Asn122=)

Gene: KRT35 (keratin 35; minus strand). Cytogenetic location: 17q21.2.
Variant type: single nucleotide variant.
Coding change: c.366C>T on transcript NM_002280.6 (MANE Select); coding-DNA position 366, C replaced by T.
Protein change: p.Asn122=; no amino-acid change (asparagine 122 retained).
Molecular consequence: synonymous variant.
Genome position (GRCh38, 1-based): chr17:41,480,732, G>A on the plus strand (C>T on the coding strand, the complement: KRT35 is on the minus strand). VCF-style: chr17-41480732-G-A. GRCh37 (hg19) VCF-style: chr17-39636984-G-A.
Identifiers: ClinVar variation 2647770 (VCV002647770.24), dbSNP rs191074954, ClinGen allele CA8559820.